The following is an entry in ClinVar:

ClinVar aggregate classification (germline): Uncertain significance (1 of 4 stars; one submission).

Submission:

Labcorp Genetics (formerly Invitae), Labcorp
Classification: Uncertain significance. Last evaluated: 2025-11-03. Review status: criteria provided, single submitter. Criteria: Invitae Variant Classification Sherloc (09022015). Collection method: clinical testing. Allele origin: germline.
Comment: This sequence change replaces phenylalanine, which is neutral and non-polar, with isoleucine, which is neutral and non-polar, at codon 47 of the SLC10A2 protein (p.Phe47Ile). This variant is not present in population databases (gnomAD no frequency). This variant has not been reported in the literature in individuals affected with SLC10A2-related conditions. Invitae Evidence Modeling of protein sequence and biophysical properties (such as structural, functional, and spatial information, amino acid conservation, physicochemical variation, residue mobility, and thermodynamic stability) indicates that this missense variant is not expected to disrupt SLC10A2 protein function with a negative predictive value of 80%. In summary, the available evidence is currently insufficient to determine the role of this variant in disease. Therefore, it has been classified as a Variant of Uncertain Significance.

NM_000452.3(SLC10A2):c.139T>A (p.Phe47Ile)

Gene: SLC10A2 (solute carrier family 10 member 2; minus strand). Cytogenetic location: 13q33.1.
Variant type: single nucleotide variant.
Coding change: c.139T>A on transcript NM_000452.3 (MANE Select); coding-DNA position 139, T replaced by A.
Protein change: p.Phe47Ile; replaces phenylalanine 47 with isoleucine.
Molecular consequence: missense variant.
Genome position (GRCh38, 1-based): chr13:103,066,111, A>T on the plus strand (T>A on the coding strand, the complement: SLC10A2 is on the minus strand). VCF-style: chr13-103066111-A-T. GRCh37 (hg19) VCF-style: chr13-103718461-A-T.
Other names: short protein forms F47I.
Identifiers: ClinVar variation 4741750 (VCV004741750.1).